The following is an entry in ClinVar:

NM_022458.4(LMBR1):c.54G>A (p.Val18=)

Genes: LMBR1 (limb development membrane protein 1; minus strand), LOC129999727 (ATAC-STARR-seq lymphoblastoid silent region 18853; plus strand). Cytogenetic location: 7q36.3.
Variant type: single nucleotide variant.
Coding change: c.54G>A on transcript NM_022458.4 (MANE Select); coding-DNA position 54, G replaced by A.
Protein change: p.Val18=; no amino-acid change (valine 18 retained).
Molecular consequence: synonymous variant. On other transcripts: 5 prime UTR variant (7), missense variant (1), non-coding transcript variant (2).
Genome position (GRCh38, 1-based): chr7:156,892,940, C>T on the plus strand (G>A on the coding strand, the complement: LMBR1 is on the minus strand). VCF-style: chr7-156892940-C-T. GRCh37 (hg19) VCF-style: chr7-156685634-C-T.
Other names: c.54G>A, p.Val18= (NM_001350953.2, NM_001363409.2, NM_001363410.2); c.-86G>A (NM_001350954.2); c.-579G>A (NM_001350955.2); c.-481G>A (NM_001350956.2, NM_001350958.2); c.-414G>A (NM_001350957.2, NM_001363411.2); c.64G>A, p.Ala22Thr (NM_001363412.2); c.-599G>A (NM_001363413.2); short protein forms A22T.
Identifiers: ClinVar variation 4687759 (VCV004687759.1).

ClinVar aggregate classification (germline): Uncertain significance (1 of 4 stars; one submission).

gnomAD v4.1: 1 of 1,539,978 alleles (0.000065%); highest among the groups gnomAD compares: Non-Finnish European, 0.000087%; no homozygotes.

Submission:

Women's Health and Genetics/Laboratory Corporation of America, LabCorp
Classification: Uncertain significance. Last evaluated: 2025-10-31. Review status: criteria provided, single submitter. Criteria: LabCorp Variant Classification Summary - May 2015. Collection method: clinical testing. Allele origin: germline.
Comment: Variant summary: LMBR1 c.54G>A alters a conserved nucleotide resulting in a synonymous change. Several computational tools predict a significant impact on normal splicing: Three predict the variant strengthens/creates a cryptic 5' donor site. However, these predictions have yet to be confirmed by functional studies. The variant was absent in 172420 control chromosomes. The available data on variant occurrences in the general population are insufficient to allow any conclusion about variant significance. To our knowledge, no occurrence of c.54G>A in individuals affected with LMBR1-related conditions and no experimental evidence demonstrating its impact on protein function have been reported. No submitters have cited clinical-significance assessments for this variant to ClinVar. Based on the evidence outlined above, the variant was classified as uncertain significance.